The following is an entry in ClinVar:

ClinVar aggregate classification (germline): Uncertain significance (1 of 4 stars; one submission).

Conditions:
Developmental and epileptic encephalopathy, 12 (DEE12). Identifiers: MedGen C3150988, MONDO:0013389, OMIM 613722.

Submission:

Labcorp Genetics (formerly Invitae), Labcorp
Classification: Uncertain significance for Developmental and epileptic encephalopathy, 12. Last evaluated: 2022-03-13. Review status: criteria provided, single submitter. Criteria: Invitae Variant Classification Sherloc (09022015). Collection method: clinical testing. Allele origin: germline.
Comment: This sequence change replaces phenylalanine, which is neutral and non-polar, with tyrosine, which is neutral and polar, at codon 518 of the PNKP protein (p.Phe518Tyr). In summary, the available evidence is currently insufficient to determine the role of this variant in disease. Therefore, it has been classified as a Variant of Uncertain Significance. Algorithms developed to predict the effect of missense changes on protein structure and function (SIFT, PolyPhen-2, Align-GVGD) all suggest that this variant is likely to be tolerated. This variant has not been reported in the literature in individuals affected with PNKP-related conditions. This variant is not present in population databases (gnomAD no frequency).

NM_007254.4(PNKP):c.1553T>A (p.Phe518Tyr)

Gene: PNKP (polynucleotide kinase 3'-phosphatase; minus strand). Cytogenetic location: 19q13.33.
Variant type: single nucleotide variant.
Coding change: c.1553T>A on transcript NM_007254.4 (MANE Select); coding-DNA position 1553, T replaced by A.
Protein change: p.Phe518Tyr; replaces phenylalanine 518 with tyrosine.
Molecular consequence: missense variant.
Genome position (GRCh38, 1-based): chr19:49,861,261, A>T on the plus strand (T>A on the coding strand, the complement: PNKP is on the minus strand). VCF-style: chr19-49861261-A-T. GRCh37 (hg19) VCF-style: chr19-50364518-A-T.
Other names: short protein forms F518Y.
Identifiers: ClinVar variation 2417797 (VCV002417797.8), dbSNP rs2514630822, ClinGen allele CA406932368.